The following is an entry in ClinVar:

NM_006946.4(SPTBN2):c.5507A>T (p.Glu1836Val)

Gene: SPTBN2 (spectrin beta, non-erythrocytic 2; minus strand). Cytogenetic location: 11q13.2.
Variant type: single nucleotide variant.
Coding change: c.5507A>T on transcript NM_006946.4 (MANE Select); coding-DNA position 5507, A replaced by T.
Protein change: p.Glu1836Val; replaces glutamic acid 1836 with valine.
Molecular consequence: missense variant.
Genome position (GRCh38, 1-based): chr11:66,691,342, T>A on the plus strand (A>T on the coding strand, the complement: SPTBN2 is on the minus strand). VCF-style: chr11-66691342-T-A. GRCh37 (hg19) VCF-style: chr11-66458813-T-A.
Other names: c.5528A>T, p.Glu1843Val (NM_001411025.1); c.5507A>T, p.Glu1836Val (NM_001437541.1); short protein forms E1836V, E1843V.
Identifiers: ClinVar variation 4885625 (VCV004885625.2).

ClinVar aggregate classification (germline): Uncertain significance (1 of 4 stars; one submission).

Submission:

Dasa
Classification: Uncertain significance. Last evaluated: 2025-02-26. Review status: criteria provided, single submitter. Criteria: DASA Assertion Criteria. Collection method: clinical testing. Allele origin: germline.
Comment: NM_006946.4(SPTBN2):c.5507A>T (p.Glu1836Val) is a missense variant that results in the substitution of glutamic acid with valine. This variant is absent from population databases. Computational prediction algorithms are consistent with a benign effect. The currently available literature and clinical evidence are not sufficient to establish a definitive association between this variant and the reported condition. Therefore, this variant is classified as a variant of uncertain significance.